The following is an entry in ClinVar:

NM_004260.4(RECQL4):c.2196T>A (p.Ser732=)

Gene: RECQL4 (RecQ like helicase 4; minus strand). Cytogenetic location: 8q24.3.
Variant type: single nucleotide variant.
Coding change: c.2196T>A on transcript NM_004260.4 (MANE Select); coding-DNA position 2196, T replaced by A.
Protein change: p.Ser732=; no amino-acid change (serine 732 retained).
Molecular consequence: synonymous variant.
Genome position (GRCh38, 1-based): chr8:144,513,575, A>T on the plus strand (T>A on the coding strand, the complement: RECQL4 is on the minus strand). VCF-style: chr8-144513575-A-T. GRCh37 (hg19) VCF-style: chr8-145738959-A-T.
Identifiers: ClinVar variation 574399 (VCV000574399.36), dbSNP rs373197205, ClinGen allele CA4948426.

ClinVar aggregate classification (germline): Likely benign. Review status: criteria provided, multiple submitters, no conflicts (2 of 4 stars). 4 submissions from 4 submitters: Likely benign (3). 1 of the submissions does not count toward it. Last evaluated 2026-01-27.

Conditions:
RECQL4-related disorder. Also called: RECQL4-related condition; RECQL4-related disorders.
Baller-Gerold syndrome (BGS). Also called: CRANIOSYNOSTOSIS WITH RADIAL DEFECTS. Identifiers: Orphanet 1225, MedGen C0265308, MONDO:0009039, OMIM 218600.

Allele frequency attached by ClinVar (database versions not stated): gnomAD exomes 0.00003 and 0.00007; TOPMed 0.00003; ExAC 0.00005; gnomAD 0.00005 and 0.00006; ESP Exome Variant Server 0.00016.

Submissions (4):

Labcorp Genetics (formerly Invitae), Labcorp
Classification: Likely benign for Baller-Gerold syndrome. Last evaluated: 2026-01-27. Review status: criteria provided, single submitter. Criteria: Invitae Variant Classification Sherloc (09022015). Collection method: clinical testing. Allele origin: germline.

Blueprint Genetics
Classification: Likely benign. Last evaluated: 2024-08-01. Review status: criteria provided, single submitter. Criteria: ACMG Guidelines, 2015. Collection method: clinical testing. Allele origin: germline.

CeGaT Center for Human Genetics Tuebingen
Classification: Likely benign. Last evaluated: 2022-11-01. Review status: criteria provided, single submitter. Criteria: CeGaT Center For Human Genetics Tuebingen Variant Classification Criteria Version 2. Collection method: clinical testing. Allele origin: germline. Affected: yes. Observed: 1 variant allele.
Comment: RECQL4: BP4, BP7

PreventionGenetics, part of Exact Sciences
Classification: Likely benign for RECQL4-related condition. Last evaluated: 2022-05-10. Review status: no assertion criteria provided. Collection method: clinical testing. Allele origin: germline. Not counted in ClinVar's aggregate classification.
Comment: This variant is classified as likely benign based on ACMG/AMP sequence variant interpretation guidelines (Richards et al. 2015 PMID: 25741868, with internal and published modifications).